The following is an entry in ClinVar:

NM_000214.3(JAG1):c.3168A>C (p.Arg1056Ser)

Gene: JAG1 (jagged canonical Notch ligand 1; minus strand). Cytogenetic location: 20p12.2.
Variant type: single nucleotide variant.
Coding change: c.3168A>C on transcript NM_000214.3 (MANE Select); coding-DNA position 3168, A replaced by C.
Protein change: p.Arg1056Ser; replaces arginine 1056 with serine.
Molecular consequence: missense variant.
Genome position (GRCh38, 1-based): chr20:10,640,814, T>G on the plus strand (A>C on the coding strand, the complement: JAG1 is on the minus strand). VCF-style: chr20-10640814-T-G. GRCh37 (hg19) VCF-style: chr20-10621462-T-G.
Other names: short protein forms R1056S.
Identifiers: ClinVar variation 895805 (VCV000895805.16), dbSNP rs146006022, ClinGen allele CA9764267.

ClinVar aggregate classification (germline): Benign/Likely benign. Review status: criteria provided, multiple submitters, no conflicts (2 of 4 stars). 5 submissions from 5 submitters: Benign (1); Likely benign (3). 1 of the submissions does not count toward it. Last evaluated 2025-05-13.

Conditions:
JAG1-related disorder. Also called: JAG1-related condition; JAG1-related disorders.
Alagille syndrome due to a JAG1 point mutation. Also called: Alagille Syndrome 1; HEPATIC DUCTULAR HYPOPLASIA, SYNDROMATIC; JAG1-Related Alagille Syndrome. Identifiers: Orphanet 261619, Orphanet 52, MedGen C1956125, MONDO:0016862, OMIM 118450.
Charcot-Marie-Tooth disease, axonal, Type 2HH. Also called: CHARCOT-MARIE-TOOTH NEUROPATHY, TYPE 2HH. Identifiers: MedGen C5562003, MONDO:0030458, OMIM 619574.
Tetralogy of Fallot (TOF). Identifiers: Orphanet 3303, MedGen C0039685, MONDO:0008542, OMIM 187500, HP:0001636.
Deafness, congenital heart defects, and posterior embryotoxon (DCHE). Identifiers: MedGen C1866053, MONDO:0060713, OMIM 617992.
Isolated Nonsyndromic Congenital Heart Disease.

Allele frequency attached by ClinVar (database versions not stated): gnomAD 0.00004 and 0.00005; gnomAD exomes 0.00005 and 0.00010; TOPMed 0.00007; ExAC 0.00012.
gnomAD v4.1: 77 of 1,614,102 alleles (0.0048%); highest among the groups gnomAD compares: Non-Finnish European, 0.0013%; no homozygotes.

Submissions (5):

Labcorp Genetics (formerly Invitae), Labcorp
Classification: Likely benign for Alagille syndrome due to a JAG1 point mutation. Last evaluated: 2025-05-13. Review status: criteria provided, single submitter. Criteria: Invitae Variant Classification Sherloc (09022015). Collection method: clinical testing. Allele origin: germline.

Blueprint Genetics
Classification: Likely benign. Last evaluated: 2024-09-12. Review status: criteria provided, single submitter. Criteria: ACMG Guidelines, 2015. Collection method: clinical testing. Allele origin: germline.

Fulgent Genetics
Classification: Likely benign for Alagille syndrome due to a JAG1 point mutation; Tetralogy of Fallot; Deafness, congenital heart defects, and posterior embryotoxon; Charcot-Marie-Tooth disease, axonal, Type 2HH. Last evaluated: 2024-01-30. Review status: criteria provided, single submitter. Criteria: ACMG Guidelines, 2015. Collection method: clinical testing. Allele origin: germline.

Illumina Laboratory Services, Illumina
Classification: Benign for Isolated Nonsyndromic Congenital Heart Disease. Last evaluated: 2018-03-14. Review status: criteria provided, single submitter. Criteria: ICSL Variant Classification Criteria 13 December 2019. Collection method: clinical testing. Allele origin: germline.
Comment: This variant was observed in the ICSL laboratory as part of a predisposition screen in an ostensibly healthy population. It had not been previously curated by ICSL or reported in the Human Gene Mutation Database (HGMD: prior to June 1st, 2018), and was therefore a candidate for classification through an automated scoring system. Utilizing variant allele frequency, disease prevalence and penetrance estimates, and inheritance mode, an automated score was calculated to assess if this variant is too frequent to cause the disease. Based on the score and internal cut-off values, a variant classified as benign is not then subjected to further curation. The score for this variant resulted in a classification of benign for this disease.

PreventionGenetics, part of Exact Sciences
Classification: Likely benign for JAG1-related condition. Last evaluated: 2022-12-28. Review status: no assertion criteria provided. Collection method: clinical testing. Allele origin: germline. Not counted in ClinVar's aggregate classification.
Comment: This variant is classified as likely benign based on ACMG/AMP sequence variant interpretation guidelines (Richards et al. 2015 PMID: 25741868, with internal and published modifications).